The following is an entry in ClinVar:

ClinVar aggregate classification (germline): Uncertain significance. Review status: criteria provided, multiple submitters, no conflicts (2 of 4 stars). 2 submissions from 2 submitters: Uncertain significance (2). Last evaluated 2024-08-18.

Conditions:
Familial cancer of breast. Also called: BREAST CANCER, FAMILIAL; hereditary breast carcinoma; Hereditary breast cancer. Identifiers: Orphanet 227535, MedGen C0346153, MONDO:0016419, OMIM 114480. Disease mechanism: loss of function.
Hereditary cancer-predisposing syndrome. Also called: Neoplastic Syndromes, Hereditary; Tumor predisposition; Hereditary Cancer Syndrome; Hereditary neoplastic syndrome. Identifiers: Orphanet 140162, MedGen C0027672, MeSH D009386, MONDO:0015356.

Allele frequency attached by ClinVar (database versions not stated): gnomAD exomes below 0.00001.
gnomAD v4.1: 3 of 1,612,046 alleles (0.00019%); highest among the groups gnomAD compares: Non-Finnish European, 0.00017%; no homozygotes.

Submissions (2):

Labcorp Genetics (formerly Invitae), Labcorp
Classification: Uncertain significance for Familial cancer of breast. Last evaluated: 2024-08-18. Review status: criteria provided, single submitter. Criteria: Invitae Variant Classification Sherloc (09022015). Collection method: clinical testing. Allele origin: germline.
Comment: This sequence change replaces alanine, which is neutral and non-polar, with serine, which is neutral and polar, at codon 136 of the BARD1 protein (p.Ala136Ser). This variant is present in population databases (no rsID available, gnomAD 0.0009%). This variant has not been reported in the literature in individuals affected with BARD1-related conditions. ClinVar contains an entry for this variant (Variation ID: 460749). An algorithm developed to predict the effect of missense changes on protein structure and function outputs the following: PolyPhen-2: "Benign". The serine amino acid residue is found in multiple mammalian species, which suggests that this missense change does not adversely affect protein function. In summary, the available evidence is currently insufficient to determine the role of this variant in disease. Therefore, it has been classified as a Variant of Uncertain Significance.

Ambry Genetics
Classification: Uncertain significance for Hereditary cancer-predisposing syndrome. Last evaluated: 2023-11-02. Review status: criteria provided, single submitter. Criteria: Ambry Variant Classification Scheme 2023. Collection method: clinical testing. Allele origin: germline.
Comment: The p.A136S variant (also known as c.406G>T), located in coding exon 4 of the BARD1 gene, results from a G to T substitution at nucleotide position 406. The alanine at codon 136 is replaced by serine, an amino acid with similar properties. This amino acid position is conserved. In addition, this alteration is predicted to be tolerated by in silico analysis. Since supporting evidence is limited at this time, the clinical significance of this alteration remains unclear.

NM_000465.4(BARD1):c.406G>T (p.Ala136Ser)

Gene: BARD1 (BRCA1 associated RING domain 1; minus strand). Cytogenetic location: 2q35.
Variant type: single nucleotide variant.
Coding change: c.406G>T on transcript NM_000465.4 (MANE Select); coding-DNA position 406, G replaced by T.
Protein change: p.Ala136Ser; replaces alanine 136 with serine.
Molecular consequence: missense variant. On other transcripts: non-coding transcript variant (2), intron variant (3).
Genome position (GRCh38, 1-based): chr2:214,781,468, C>A on the plus strand (G>T on the coding strand, the complement: BARD1 is on the minus strand). VCF-style: chr2-214781468-C-A. GRCh37 (hg19) VCF-style: chr2-215646192-C-A.
Other names: c.349G>T, p.Ala117Ser (NM_001282543.2); c.158+27944G>T (NM_001282548.2); c.215+15593G>T (NM_001282545.2); c.364+10829G>T (NM_001282549.2); c.406G>T (NM_000465.2); short protein forms A136S, A117S.
Identifiers: ClinVar variation 460749 (VCV000460749.10), dbSNP rs1261925788, ClinGen allele CA350458024.
Genomic context (GRCh38, chr2:214,781,468, plus strand): 5'-ATCTGACTTTCTTACTTCGAGGGCTAAACCACATTTTAATTGAATTCTTCTTGTTTCCTG[C>A]ATCATTAAACAAACTTTTCCTAGGTTTATCTTCTTTCAAATCTGACAGAAAAAAAGAAAA-3'
Protein context (NP_000456.2, residues 126-146): DKPRKSLFND[Ala136Ser]GNKKNSIKMW